The following is an entry in ClinVar:

NM_020806.5(GPHN):c.501C>G (p.Asp167Glu)

Gene: GPHN (gephyrin; plus strand). Cytogenetic location: 14q23.3.
Variant type: single nucleotide variant.
Coding change: c.501C>G on transcript NM_020806.5 (MANE Select); coding-DNA position 501, C replaced by G.
Protein change: p.Asp167Glu; replaces aspartic acid 167 with glutamic acid.
Molecular consequence: missense variant.
Genome position (GRCh38, 1-based): chr14:66,922,710, C>G. VCF-style: chr14-66922710-C-G. GRCh37 (hg19) VCF-style: chr14-67389427-C-G.
Other names: c.501C>G, p.Asp167Glu (NM_001024218.2, NM_001377515.1, NM_001377516.1 and 2 more transcripts); c.540C>G, p.Asp180Glu (NM_001377514.1, NM_001377519.1); short protein forms D167E, D180E.
Identifiers: ClinVar variation 2867818 (VCV002867818.3), dbSNP rs749859135, ClinGen allele CA7233775.

ClinVar aggregate classification (germline): Uncertain significance (1 of 4 stars; one submission).

Conditions:
Sulfite oxidase deficiency due to molybdenum cofactor deficiency type C. Also called: Molybdenum cofactor deficiency, complementation group C; Molybdenum cofactor deficiency C. Identifiers: Orphanet 308400, Orphanet 833, MedGen C1854990, MONDO:0014212, OMIM 615501.

gnomAD v4.1: 5 of 1,613,306 alleles (0.00031%); highest among the groups gnomAD compares: Admixed American, 0.0017%; no homozygotes.

Submission:

Labcorp Genetics (formerly Invitae), Labcorp
Classification: Uncertain significance for Sulfite oxidase deficiency due to molybdenum cofactor deficiency type C. Last evaluated: 2023-05-25. Review status: criteria provided, single submitter. Criteria: Invitae Variant Classification Sherloc (09022015). Collection method: clinical testing. Allele origin: germline.
Comment: In summary, the available evidence is currently insufficient to determine the role of this variant in disease. Therefore, it has been classified as a Variant of Uncertain Significance. Advanced modeling of protein sequence and biophysical properties (such as structural, functional, and spatial information, amino acid conservation, physicochemical variation, residue mobility, and thermodynamic stability) performed at Invitae indicates that this missense variant is not expected to disrupt GPHN protein function. This sequence change replaces aspartic acid, which is acidic and polar, with glutamic acid, which is acidic and polar, at codon 167 of the GPHN protein (p.Asp167Glu). This variant is present in population databases (rs749859135, gnomAD 0.003%). This variant has not been reported in the literature in individuals affected with GPHN-related conditions.